The following is an entry in ClinVar:

ClinVar aggregate classification (germline): Likely benign (1 of 4 stars; one submission).

Submission:

CeGaT Center for Human Genetics Tuebingen
Classification: Likely benign. Last evaluated: 2025-07-01. Review status: criteria provided, single submitter. Criteria: CeGaT Center For Human Genetics Tuebingen Variant Classification Criteria Version 2. Collection method: clinical testing. Allele origin: germline. Affected: yes. Observed: 2 variant alleles.
Comment: KIR2DL3: BP4, BP7

NM_015868.3(KIR2DL3):c.1023C>A (p.Pro341=)

Gene: KIR2DL3 (killer cell immunoglobulin like receptor, two Ig domains and long cytoplasmic tail 3). Cytogenetic location: 19q13.42.
Variant type: single nucleotide variant.
Coding change: c.1023C>A on transcript NM_015868.3 (MANE Select); coding-DNA position 1023, C replaced by A.
Protein change: p.Pro341=; no amino-acid change (proline 341 retained).
Molecular consequence: synonymous variant.
Genome position (GRCh38, 1-based): chr19:54,752,516, C>A. VCF-style: chr19-54752516-C-A. GRCh37 (hg19) VCF-style: chr19-55263968-C-A.
Identifiers: ClinVar variation 3777824 (VCV003777824.7).